The following is an entry in ClinVar:

ClinVar aggregate classification (germline): Benign/Likely benign. Review status: criteria provided, multiple submitters, no conflicts (2 of 4 stars). 4 submissions from 4 submitters: Benign (1); Likely benign (3). Last evaluated 2026-01-28.

Conditions:
CYP4F22-related disorder. Also called: CYP4F22-related condition.
Autosomal recessive congenital ichthyosis 5 (ARCI5). Also called: Ichthyosis, nonlamellar and nonerythrodermic, congenital, autosomal recessive; ICHTHYOSIS CONGENITA III. Identifiers: Orphanet 313, MedGen C1858133, MONDO:0011485, OMIM 604777.

Allele frequency attached by ClinVar (database versions not stated): TOPMed 0.00224; gnomAD 0.00242; 1000 Genomes Project 0.00260; ESP Exome Variant Server 0.00261; 1000 Genomes Project 30x 0.00265.
gnomAD v4.1: 627 of 1,614,094 alleles (0.039%); highest among the groups gnomAD compares: African/African-American, 0.75%; 5 homozygotes.

Submissions (4):

Labcorp Genetics (formerly Invitae), Labcorp
Classification: Benign. Last evaluated: 2026-01-28. Review status: criteria provided, single submitter. Criteria: Invitae Variant Classification Sherloc (09022015). Collection method: clinical testing. Allele origin: germline.

PreventionGenetics, part of Exact Sciences
Classification: Likely benign for CYP4F22-related condition. Last evaluated: 2025-11-03. Review status: criteria provided, single submitter. Criteria: ACMG Guidelines, 2015. Collection method: clinical testing. Allele origin: germline.
Comment: This variant is classified as likely benign based on ACMG/AMP sequence variant interpretation guidelines (Richards et al. 2015 PMID: 25741868, with internal and published modifications).

Illumina Laboratory Services, Illumina
Classification: Likely benign for Autosomal recessive congenital ichthyosis 5. Last evaluated: 2018-01-13. Review status: criteria provided, single submitter. Criteria: ICSL Variant Classification Criteria 13 December 2019. Collection method: clinical testing. Allele origin: germline.
Comment: This variant was observed in the ICSL laboratory as part of a predisposition screen in an ostensibly healthy population. It had not been previously curated by ICSL or reported in the Human Gene Mutation Database (HGMD: prior to June 1st, 2018), and was therefore a candidate for classification through an automated scoring system. Utilizing variant allele frequency, disease prevalence and penetrance estimates, and inheritance mode, an automated score was calculated to assess if this variant is too frequent to cause the disease. Based on the score and internal cut-off values, a variant classified as likely benign is not then subjected to further curation. The score for this variant resulted in a classification of likely benign for this disease.

Breakthrough Genomics
Classification: Likely benign. Review status: criteria provided, single submitter. Criteria: ACMG Guidelines, 2015. Collection method: not provided. Allele origin: germline. Inheritance: Autosomal recessive inheritance. Affected: yes.

NM_173483.4(CYP4F22):c.51G>A (p.Thr17=)

Gene: CYP4F22 (cytochrome P450 family 4 subfamily F member 22; plus strand). Cytogenetic location: 19p13.12.
Variant type: single nucleotide variant.
Coding change: c.51G>A on transcript NM_173483.4 (MANE Select); coding-DNA position 51, G replaced by A.
Protein change: p.Thr17=; no amino-acid change (threonine 17 retained).
Molecular consequence: synonymous variant.
Genome position (GRCh38, 1-based): chr19:15,525,387, G>A. VCF-style: chr19-15525387-G-A. GRCh37 (hg19) VCF-style: chr19-15636198-G-A.
Identifiers: ClinVar variation 328423 (VCV000328423.15), dbSNP rs147808045, ClinGen allele CA9269442.